The following is an entry in ClinVar:

NM_022047.4(DEF6):c.1673A>G (p.Asp558Gly)

Gene: DEF6 (DEF6 guanine nucleotide exchange factor; plus strand). Cytogenetic location: 6p21.31.
Variant type: single nucleotide variant.
Coding change: c.1673A>G on transcript NM_022047.4 (MANE Select); coding-DNA position 1673, A replaced by G.
Protein change: p.Asp558Gly; replaces aspartic acid 558 with glycine.
Molecular consequence: missense variant.
Genome position (GRCh38, 1-based): chr6:35,321,187, A>G. VCF-style: chr6-35321187-A-G. GRCh37 (hg19) VCF-style: chr6-35288964-A-G.
Other names: short protein forms D558G.
Identifiers: ClinVar variation 1462587 (VCV001462587.8), dbSNP rs2150389632, ClinGen allele CA363768782.

ClinVar aggregate classification (germline): Uncertain significance (1 of 4 stars; one submission).

Submission:

Labcorp Genetics (formerly Invitae), Labcorp
Classification: Uncertain significance. Last evaluated: 2021-04-16. Review status: criteria provided, single submitter. Criteria: Invitae Variant Classification Sherloc (09022015). Collection method: clinical testing. Allele origin: germline.
Comment: In summary, the available evidence is currently insufficient to determine the role of this variant in disease. Therefore, it has been classified as a Variant of Uncertain Significance. Algorithms developed to predict the effect of sequence changes on RNA splicing suggest that this variant may create or strengthen a splice site, but this prediction has not been confirmed by published transcriptional studies. Algorithms developed to predict the effect of missense changes on protein structure and function (SIFT, PolyPhen-2, Align-GVGD) all suggest that this variant is likely to be tolerated, but these predictions have not been confirmed by published functional studies and their clinical significance is uncertain. This variant has not been reported in the literature in individuals with DEF6-related conditions. This variant is not present in population databases (ExAC no frequency). This sequence change replaces aspartic acid with glycine at codon 558 of the DEF6 protein (p.Asp558Gly). The aspartic acid residue is moderately conserved and there is a moderate physicochemical difference between aspartic acid and glycine.